The following is an entry in ClinVar:

NM_004333.6(BRAF):c.2039A>G (p.Lys680Arg)

Gene: BRAF (B-Raf proto-oncogene, serine/threonine kinase; minus strand). Cytogenetic location: 7q34.
Variant type: single nucleotide variant.
Coding change: c.2039A>G on transcript NM_004333.6 (MANE Select); coding-DNA position 2039, A replaced by G.
Protein change: p.Lys680Arg; replaces lysine 680 with arginine.
Molecular consequence: missense variant.
Genome position (GRCh38, 1-based): chr7:140,739,900, T>C on the plus strand (A>G on the coding strand, the complement: BRAF is on the minus strand). VCF-style: chr7-140739900-T-C. GRCh37 (hg19) VCF-style: chr7-140439700-T-C.
Other names: c.2039A>G, p.Lys680Arg (NM_001354609.2, NM_001378468.1, NM_001378474.1); c.2159A>G, p.Lys720Arg (NM_001374244.1, NM_001374258.1); c.2048A>G, p.Lys683Arg (NM_001378467.1); c.1973A>G, p.Lys658Arg (NM_001378469.1); c.1937A>G, p.Lys646Arg (NM_001378470.1); c.1928A>G, p.Lys643Arg (NM_001378471.1); c.1883A>G, p.Lys628Arg (NM_001378472.1, NM_001378473.1); c.1775A>G, p.Lys592Arg (NM_001378475.1); short protein forms K628R, K646R, K658R, K720R, K592R, K643R, K680R, K683R.
Identifiers: ClinVar variation 2884207 (VCV002884207.4), dbSNP rs1796764800, ClinGen allele CA369538404.

ClinVar aggregate classification (germline): Uncertain significance. Review status: criteria provided, multiple submitters, no conflicts (2 of 4 stars). 2 submissions from 2 submitters: Uncertain significance (2). Last evaluated 2025-02-26.

Conditions:
Melanoma, cutaneous malignant, susceptibility to, 1 (CMM1). Also called: MELANOMA, MALIGNANT; DYSPLASTIC NEVUS SYNDROME, HEREDITARY; FAMILIAL ATYPICAL MOLE-MALIGNANT MELANOMA SYNDROME; B-K MOLE SYNDROME. Identifiers: Orphanet 618, MedGen C1835047, MONDO:0007963, OMIM 155600.
LEOPARD syndrome 3 (LPRD3). Identifiers: Orphanet 500, MedGen C3150971, MONDO:0013380, OMIM 613707.
Noonan syndrome 7 (NS7). Also called: BRAF-Related Noonan Syndrome. Identifiers: Orphanet 648, MedGen C3150970, MONDO:0013379, OMIM 613706.
Lung cancer. Also called: Lung cancer, somatic; Malignant tumor of lung. Identifiers: MedGen C0242379, MONDO:0008903, OMIM 211980.
Colorectal cancer. Also called: Malignant Colorectal Neoplasm; Colorectal cancer, somatic. Identifiers: MedGen C0346629, MONDO:0005575, OMIM 114500.
Cardiofaciocutaneous syndrome 1 (CFC1). Also called: BRAF-Related Cardiofaciocutaneous Syndrome; MAP2K1-Related Cardiofaciocutaneous Syndrome; KRAS-Related Cardiofaciocutaneous Syndrome; MAP2K2-Related Cardiofaciocutaneous Syndrome. Identifiers: Orphanet 1340, MedGen CN029449, MONDO:0007265, OMIM 115150. Disease mechanism: gain of function.
RASopathy. Also called: rasopathies; Noonan spectrum disorder. Identifiers: Orphanet 536391, MedGen C5555857, MONDO:0021060.

Allele frequency attached by ClinVar (database versions not stated): gnomAD exomes below 0.00001; gnomAD 0.00001; TOPMed 0.00001.
gnomAD v4.1: 3 of 1,613,672 alleles (0.00019%); highest among the groups gnomAD compares: African/African-American, 0.004%; no homozygotes.

Submissions (2):

Labcorp Genetics (formerly Invitae), Labcorp
Classification: Uncertain significance for RASopathy. Last evaluated: 2025-02-26. Review status: criteria provided, single submitter. Criteria: Invitae Variant Classification Sherloc (09022015). Collection method: clinical testing. Allele origin: germline.
Comment: This sequence change replaces lysine, which is basic and polar, with arginine, which is basic and polar, at codon 680 of the BRAF protein (p.Lys680Arg). This variant is not present in population databases (gnomAD no frequency). This variant has not been reported in the literature in individuals affected with BRAF-related conditions. ClinVar contains an entry for this variant (Variation ID: 2884207). Invitae Evidence Modeling of protein sequence and biophysical properties (such as structural, functional, and spatial information, amino acid conservation, physicochemical variation, residue mobility, and thermodynamic stability) indicates that this missense variant is not expected to disrupt BRAF protein function with a negative predictive value of 80%. In summary, the available evidence is currently insufficient to determine the role of this variant in disease. Therefore, it has been classified as a Variant of Uncertain Significance.

Fulgent Genetics
Classification: Uncertain significance for Colorectal cancer; Cardiofaciocutaneous syndrome 1; Melanoma, cutaneous malignant, susceptibility to, 1; Lung cancer; Noonan syndrome 7; LEOPARD syndrome 3. Last evaluated: 2024-06-03. Review status: criteria provided, single submitter. Criteria: ACMG Guidelines, 2015. Collection method: clinical testing. Allele origin: germline.